The following is an entry in ClinVar:

NM_001082971.2(DDC):c.201+5G>C

Gene: DDC (dopa decarboxylase; minus strand). Cytogenetic location: 7p12.1.
Variant type: single nucleotide variant.
Coding change: c.201+5G>C on transcript NM_001082971.2 (MANE Select); 5 bases into the intron after coding-DNA position 201, G replaced by C.
Molecular consequence: intron variant.
Genome position (GRCh38, 1-based): chr7:50,543,880, C>G on the plus strand (G>C on the coding strand, the complement: DDC is on the minus strand). VCF-style: chr7-50543880-C-G. GRCh37 (hg19) VCF-style: chr7-50611578-C-G.
Other names: c.201+5G>C (NM_000790.3, NM_001242888.2, NM_001242886.2 and 4 more transcripts).
Identifiers: ClinVar variation 1401179 (VCV001401179.9), dbSNP rs2044715580, ClinGen allele CA1706650813.
Genomic context (GRCh38, chr7:50,543,880, plus strand): 5'-CAGAGCCAAGTAGGTGCTATGTGAGTTCTAGCCCTCCTGTTTTCTGACCTTGGATACACA[C>G]TTACCCCAGGCATGATTATCTTCTCAACGTCGTTGATGATGTCCTCAAACGTGTCTGGCT-3'

ClinVar aggregate classification (germline): Pathogenic/Likely pathogenic. Review status: criteria provided, multiple submitters, no conflicts (2 of 4 stars). 2 submissions from 2 submitters: Pathogenic (1); Likely pathogenic (1). Last evaluated 2025-11-25.

Conditions:
Deficiency of aromatic-L-amino-acid decarboxylase. Also called: Aromatic L-Amino Acid Decarboxylase Deficiency; Aromatic amino acid decarboxylase deficiency; AADC DEFICIENCY; DDC DEFICIENCY; DOPA DECARBOXYLASE DEFICIENCY. Identifiers: Orphanet 35708, MedGen C1291564, MONDO:0012084, OMIM 608643.
Inborn genetic diseases. Identifiers: MedGen C0950123, MeSH D030342.

gnomAD v4.1: 3 of 1,613,870 alleles (0.00019%); highest among the groups gnomAD compares: Admixed American, 0.0017%; no homozygotes.

Submissions (2):

Labcorp Genetics (formerly Invitae), Labcorp
Classification: Pathogenic for Deficiency of aromatic-L-amino-acid decarboxylase. Last evaluated: 2025-11-25. Review status: criteria provided, single submitter. Criteria: Invitae Variant Classification Sherloc (09022015). Collection method: clinical testing. Allele origin: germline.
Comment: This sequence change falls in intron 2 of the DDC gene. It does not directly change the encoded amino acid sequence of the DDC protein. It affects a nucleotide within the consensus splice site. This variant is not present in population databases (gnomAD no frequency). This variant has been observed in individual(s) with aromatic L-amino acid decarboxylase deficiency (PMID: 30952622, 31849064, 32369189). ClinVar contains an entry for this variant (Variation ID: 1401179). Variants that disrupt the consensus splice site are a relatively common cause of aberrant splicing (PMID: 17576681, 9536098). Algorithms developed to predict the effect of sequence changes on RNA splicing suggest that this variant may disrupt the consensus splice site. For these reasons, this variant has been classified as Pathogenic.

Ambry Genetics
Classification: Likely pathogenic for Inborn genetic diseases. Last evaluated: 2025-03-26. Review status: criteria provided, single submitter. Criteria: Ambry Variant Classification Scheme 2023. Collection method: clinical testing. Allele origin: germline.
Comment: The c.201+5G>C intronic alteration consists of a G to C substitution 5 nucleotides after coding exon 1 of the DDC gene. This variant was not reported in population-based cohorts in the Genome Aggregation Database (gnomAD). This variant has been identified in the homozygous state and/or in conjunction with other DDC variant(s) in individual(s) who met clinical criteria for aromatic L-amino acid decarboxylase deficiency (Brennenstuhl, 2020; Hyland, 2020). This nucleotide position is well conserved in available vertebrate species. In silico splice site analysis predicts that this alteration may weaken the native splice donor site and will result in the creation or strengthening of a novel splice donor site. Based on the available evidence, this alteration is classified as likely pathogenic.

Literature cited by the submitters: PubMed 30952622 (cited by Labcorp Genetics (formerly Invitae), Labcorp); PubMed 31849064 (cited by Labcorp Genetics (formerly Invitae), Labcorp and Ambry Genetics); PubMed 32369189 (cited by Labcorp Genetics (formerly Invitae), Labcorp); PubMed 17576681 (cited by Labcorp Genetics (formerly Invitae), Labcorp); PubMed 9536098 (cited by Labcorp Genetics (formerly Invitae), Labcorp); PubMed 32111562 (cited by Ambry Genetics).